The following is an entry in ClinVar:

NM_014956.5(CEP164):c.1949G>A (p.Arg650Gln)

Gene: CEP164 (centrosomal protein 164; plus strand). Cytogenetic location: 11q23.3.
Variant type: single nucleotide variant.
Coding change: c.1949G>A on transcript NM_014956.5 (MANE Select); coding-DNA position 1949, G replaced by A.
Protein change: p.Arg650Gln; replaces arginine 650 with glutamine.
Molecular consequence: missense variant.
Genome position (GRCh38, 1-based): chr11:117,390,791, G>A. VCF-style: chr11-117390791-G-A. GRCh37 (hg19) VCF-style: chr11-117261507-G-A.
Other names: c.1958G>A, p.Arg653Gln (NM_001271933.2); c.1949G>A (NM_014956.4); short protein forms R650Q, R653Q.
Identifiers: ClinVar variation 1949531 (VCV001949531.6), dbSNP rs763682853, ClinGen allele CA6294914.

ClinVar aggregate classification (germline): Uncertain significance. Review status: criteria provided, multiple submitters, no conflicts (2 of 4 stars). 2 submissions from 2 submitters: Uncertain significance (2). Last evaluated 2025-10-08.

Conditions:
CEP164-related disorder. Also called: CEP164-related condition.
Nephronophthisis 15 (NPHP15). Identifiers: Orphanet 3156, MedGen C3541853, MONDO:0013917, OMIM 614845.

Allele frequency attached by ClinVar (database versions not stated): gnomAD 0.00001; TOPMed 0.00001; gnomAD exomes 0.00002; ExAC 0.00005.
gnomAD v4.1: 37 of 1,613,770 alleles (0.0023%); highest among the groups gnomAD compares: Non-Finnish European, 0.0027%; no homozygotes.

Submissions (2):

PreventionGenetics, part of Exact Sciences
Classification: Uncertain significance for CEP164-related condition. Last evaluated: 2025-10-08. Review status: criteria provided, single submitter. Criteria: ACMG Guidelines, 2015. Collection method: clinical testing. Allele origin: germline.
Comment: The CEP164 c.1949G>A variant is predicted to result in the amino acid substitution p.Arg650Gln. To our knowledge, this variant has not been reported in the literature. This variant is reported in 0.0062% of alleles in individuals of European (Non-Finnish) descent in gnomAD. At this time, the clinical significance of this variant is uncertain due to the absence of conclusive functional and genetic evidence.

Labcorp Genetics (formerly Invitae), Labcorp
Classification: Uncertain significance for Nephronophthisis 15. Last evaluated: 2024-11-02. Review status: criteria provided, single submitter. Criteria: Invitae Variant Classification Sherloc (09022015). Collection method: clinical testing. Allele origin: germline.
Comment: This sequence change replaces arginine, which is basic and polar, with glutamine, which is neutral and polar, at codon 650 of the CEP164 protein (p.Arg650Gln). This variant is present in population databases (rs763682853, gnomAD 0.006%). This variant has not been reported in the literature in individuals affected with CEP164-related conditions. ClinVar contains an entry for this variant (Variation ID: 1949531). Invitae Evidence Modeling of protein sequence and biophysical properties (such as structural, functional, and spatial information, amino acid conservation, physicochemical variation, residue mobility, and thermodynamic stability) indicates that this missense variant is not expected to disrupt CEP164 protein function with a negative predictive value of 80%. In summary, the available evidence is currently insufficient to determine the role of this variant in disease. Therefore, it has been classified as a Variant of Uncertain Significance.